The following is an entry in ClinVar:

NM_005477.3(HCN4):c.1387A>G (p.Lys463Glu)

Gene: HCN4 (hyperpolarization activated cyclic nucleotide gated potassium channel 4; minus strand). Cytogenetic location: 15q24.1.
Variant type: single nucleotide variant.
Coding change: c.1387A>G on transcript NM_005477.3 (MANE Select); coding-DNA position 1387, A replaced by G.
Protein change: p.Lys463Glu; replaces lysine 463 with glutamic acid.
Molecular consequence: missense variant.
Genome position (GRCh38, 1-based): chr15:73,329,776, T>C on the plus strand (A>G on the coding strand, the complement: HCN4 is on the minus strand). VCF-style: chr15-73329776-T-C. GRCh37 (hg19) VCF-style: chr15-73622117-T-C.
Other names: c.1387A>G (NM_005477.2); short protein forms K463E.
Identifiers: ClinVar variation 2992835 (VCV002992835.4), dbSNP rs2042922156, ClinGen allele CA393094157.

ClinVar aggregate classification (germline): Uncertain significance. Review status: criteria provided, multiple submitters, no conflicts (2 of 4 stars). 2 submissions from 2 submitters: Uncertain significance (2). Last evaluated 2026-03-10.

Conditions:
Brugada syndrome 8 (BRGDA8). Identifiers: Orphanet 130, MedGen C2751083, MONDO:0013148, OMIM 613123.
Cardiovascular phenotype. Identifiers: MedGen CN230736.

Allele frequency attached by ClinVar (database versions not stated): gnomAD exomes 0.00001.

Submissions (2):

Ambry Genetics
Classification: Uncertain significance for Cardiovascular phenotype. Last evaluated: 2026-03-10. Review status: criteria provided, single submitter. Criteria: Ambry Variant Classification Scheme 2023. Collection method: clinical testing. Allele origin: germline.

Labcorp Genetics (formerly Invitae), Labcorp
Classification: Uncertain significance for Brugada syndrome 8. Last evaluated: 2025-12-08. Review status: criteria provided, single submitter. Criteria: Invitae Variant Classification Sherloc (09022015). Collection method: clinical testing. Allele origin: germline.
Comment: This sequence change replaces lysine, which is basic and polar, with glutamic acid, which is acidic and polar, at codon 463 of the HCN4 protein (p.Lys463Glu). This variant is not present in population databases (gnomAD no frequency). This variant has not been reported in the literature in individuals affected with HCN4-related conditions. ClinVar contains an entry for this variant (Variation ID: 2992835). Invitae Evidence Modeling of protein sequence and biophysical properties (such as structural, functional, and spatial information, amino acid conservation, physicochemical variation, residue mobility, and thermodynamic stability) indicates that this missense variant is not expected to disrupt HCN4 protein function with a negative predictive value of 95%. In summary, the available evidence is currently insufficient to determine the role of this variant in disease. Therefore, it has been classified as a Variant of Uncertain Significance.